The following is an entry in ClinVar:

ClinVar aggregate classification (germline): Uncertain significance. Review status: criteria provided, multiple submitters, no conflicts (2 of 4 stars). 2 submissions from 2 submitters: Uncertain significance (2). Last evaluated 2025-07-18.

Conditions:
Inborn genetic diseases. Identifiers: MedGen C0950123, MeSH D030342.

gnomAD v4.1: 8 of 1,613,238 alleles (0.0005%); highest among the groups gnomAD compares: South Asian, 0.0077%; no homozygotes.

Submissions (2):

Women's Health and Genetics/Laboratory Corporation of America, LabCorp
Classification: Uncertain significance. Last evaluated: 2025-07-18. Review status: criteria provided, single submitter. Criteria: LabCorp Variant Classification Summary - May 2015. Collection method: clinical testing. Allele origin: germline.
Comment: Variant summary: HPS6 c.622A>G (p.Thr208Ala) results in a non-conservative amino acid change in the encoded protein sequence. Algorithms developed to predict the effect of missense changes on protein structure and function are either unavailable or do not agree on the potential impact of this missense change. The variant allele was found at a frequency of 8e-06 in 249432 control chromosomes. The available data on variant occurrences in the general population are insufficient to allow any conclusion about variant significance. To our knowledge, no occurrence of c.622A>G in individuals affected with Hermansky-Pudlak Syndrome and no experimental evidence demonstrating its impact on protein function have been reported. ClinVar contains an entry for this variant (Variation ID: 3858608). Based on the evidence outlined above, the variant was classified as uncertain significance.

Ambry Genetics
Classification: Uncertain significance for Inborn genetic diseases. Last evaluated: 2024-12-17. Review status: criteria provided, single submitter. Criteria: Ambry Variant Classification Scheme 2023. Collection method: clinical testing. Allele origin: germline.

NM_024747.6(HPS6):c.622A>G (p.Thr208Ala)

Gene: HPS6 (HPS6 biogenesis of lysosomal organelles complex 2 subunit 3; plus strand). Cytogenetic location: 10q24.32.
Variant type: single nucleotide variant.
Coding change: c.622A>G on transcript NM_024747.6 (MANE Select); coding-DNA position 622, A replaced by G.
Protein change: p.Thr208Ala; replaces threonine 208 with alanine.
Molecular consequence: missense variant.
Genome position (GRCh38, 1-based): chr10:102,066,096, A>G. VCF-style: chr10-102066096-A-G. GRCh37 (hg19) VCF-style: chr10-103825853-A-G.
Other names: short protein forms T208A.
Identifiers: ClinVar variation 3858608 (VCV003858608.2).